The following is an entry in ClinVar:

ClinVar aggregate classification (germline): Uncertain significance (1 of 4 stars; one submission).

Allele frequency attached by ClinVar (database versions not stated): gnomAD exomes below 0.00001; gnomAD 0.00001.
gnomAD v4.1: 2 of 1,613,356 alleles (0.00012%); highest among the groups gnomAD compares: Non-Finnish European, 0.00017%; no homozygotes.

Submission:

GeneDx
Classification: Uncertain significance. Last evaluated: 2019-09-25. Review status: criteria provided, single submitter. Criteria: GeneDx Variant Classification Process June 2021. Collection method: clinical testing. Allele origin: germline. Affected: yes.
Comment: In silico analysis, which includes protein predictors and evolutionary conservation, supports a deleterious effect; Has not been previously published as pathogenic or benign to our knowledge

NM_021072.4(HCN1):c.800G>A (p.Arg267His)

Gene: HCN1 (hyperpolarization activated cyclic nucleotide gated potassium channel 1; minus strand). Cytogenetic location: 5p12.
Variant type: single nucleotide variant.
Coding change: c.800G>A on transcript NM_021072.4 (MANE Select); coding-DNA position 800, G replaced by A.
Protein change: p.Arg267His; replaces arginine 267 with histidine.
Molecular consequence: missense variant.
Genome position (GRCh38, 1-based): chr5:45,645,234, C>T on the plus strand (G>A on the coding strand, the complement: HCN1 is on the minus strand). VCF-style: chr5-45645234-C-T. GRCh37 (hg19) VCF-style: chr5-45645336-C-T.
Other names: short protein forms R267H.
Identifiers: ClinVar variation 1308805 (VCV001308805.2), dbSNP rs951258297, ClinGen allele CA118324606.